The following is an entry in ClinVar:

NR_003051.3(RMRP):n.-5delGinsAACGTGGAAGCTGAGA

Gene: RMRP (RNA component of mitochondrial RNA processing endoribonuclease; minus strand). Cytogenetic location: 9p13.3.
Variant type: Indel.
Genome position: GRCh38 VCF-style: chr9-35658023-C-TCTCAGCTTCCACGTT. GRCh37 (hg19) VCF-style: chr9-35658020-C-TCTCAGCTTCCACGTT.
Identifiers: ClinVar variation 4817187 (VCV004817187.1).

ClinVar aggregate classification (germline): Likely pathogenic (1 of 4 stars; one submission).

Conditions:
Metaphyseal chondrodysplasia, McKusick type (CHH). Also called: Cartilage-hair hypoplasia; Cartilage-Hair Hypoplasia (CHH). Identifiers: Orphanet 175, MedGen C0220748, MONDO:0009595, OMIM 250250.

Submission:

Natera, Inc.
Classification: Likely pathogenic for Cartilage-hair hypoplasia. Last evaluated: 2024-10-23. Review status: criteria provided, single submitter. Criteria: Natera Variant Classification Schema (03/2026). Collection method: clinical testing. Allele origin: germline.
Comment: The n.-5delGinsAACGTGGAAGCTGAGA variant in RMRP is an insertion affecting the RMRP promoter region between the TATA box and the transcription initiation site. Other duplications and insertions just upstream of the transcription initiation site have been reported in individuals affected with cartilage-hair hypoplasia (PMID: 11207361, 17937437). This variant is rare in the general population with a frequency below the threshold expected for the associated phenotype(s). Given the available evidence, this variant is classified as Likely pathogenic.

Literature cited by the submitters: PubMed 11207361; PubMed 17937437.